The following is an entry in ClinVar:

ClinVar aggregate classification (germline): Uncertain significance. Review status: criteria provided, multiple submitters, no conflicts (2 of 4 stars). 2 submissions from 2 submitters: Uncertain significance (2). Last evaluated 2026-07-07.

Conditions:
Inborn genetic diseases. Identifiers: MedGen C0950123, MeSH D030342.
Drash syndrome (DDS). Also called: NEPHROPATHY, WILMS TUMOR, AND GENITAL ANOMALIES; WILMS TUMOR AND PSEUDO- OR TRUE HERMAPHRODITISM. Identifiers: Orphanet 220, MedGen C0950121, MONDO:0008682, OMIM 194080.
Wilms tumor 1 (WT1). Also called: Wilms tumor, somatic. Identifiers: Orphanet 654, MedGen CN033288, MONDO:0008679, OMIM 194070.
11p partial monosomy syndrome (WAGR). Also called: WAGR Complex; WAGR Spectrum Disorder; CHROMOSOME 11p13 DELETION SYNDROME; WAGR syndrome. Identifiers: Orphanet 893, MedGen C0206115, MONDO:0008681, OMIM 194072.
Frasier syndrome. Identifiers: Orphanet 347, MedGen C0950122, MeSH D052159, MONDO:0007635, OMIM 136680.

Submissions (2):

Ambry Genetics
Classification: Uncertain significance for Inborn genetic diseases. Last evaluated: 2026-07-07. Review status: criteria provided, single submitter. Criteria: Ambry Variant Classification Scheme 2023. Collection method: clinical testing. Allele origin: germline.
Comment: The p.G181D variant (also known as c.542G>A), located in coding exon 1 of the WT1 gene, results from a G to A substitution at nucleotide position 542. The glycine at codon 181 is replaced by aspartic acid, an amino acid with similar properties. This amino acid position is conserved. In addition, the in silico prediction for this alteration is inconclusive. Based on the available evidence, the clinical significance of this variant remains unclear.

Labcorp Genetics (formerly Invitae), Labcorp
Classification: Uncertain significance for Wilms tumor 1; Drash syndrome; 11p partial monosomy syndrome; Frasier syndrome. Last evaluated: 2023-09-14. Review status: criteria provided, single submitter. Criteria: Invitae Variant Classification Sherloc (09022015). Collection method: clinical testing. Allele origin: germline.
Comment: This sequence change replaces glycine, which is neutral and non-polar, with aspartic acid, which is acidic and polar, at codon 181 of the WT1 protein (p.Gly181Asp). This variant is not present in population databases (gnomAD no frequency). This variant has not been reported in the literature in individuals affected with WT1-related conditions. Advanced modeling of protein sequence and biophysical properties (such as structural, functional, and spatial information, amino acid conservation, physicochemical variation, residue mobility, and thermodynamic stability) performed at Invitae indicates that this missense variant is not expected to disrupt WT1 protein function. In summary, the available evidence is currently insufficient to determine the role of this variant in disease. Therefore, it has been classified as a Variant of Uncertain Significance.

NM_024426.6(WT1):c.557G>A (p.Gly186Asp)

Genes: WT1 (WT1 transcription factor; minus strand), LOC107982234 (WT1/WT1-AS bi-directional promoter region; plus strand). Cytogenetic location: 11p13.
Variant type: single nucleotide variant.
Coding change: c.557G>A on transcript NM_024426.6 (MANE Select); coding-DNA position 557, G replaced by A.
Protein change: p.Gly186Asp; replaces glycine 186 with aspartic acid.
Molecular consequence: missense variant. On other transcripts: non-coding transcript variant (2).
Genome position (GRCh38, 1-based): chr11:32,434,804, C>T on the plus strand (G>A on the coding strand, the complement: WT1 is on the minus strand). VCF-style: chr11-32434804-C-T. GRCh37 (hg19) VCF-style: chr11-32456350-C-T.
Other names: c.542G>A (NM_024426.4); c.557G>A, p.Gly186Asp (NM_000378.6, NM_001407044.1, NM_001407045.1 and 6 more transcripts); c.542G>A, p.Gly181Asp (NM_024425.2); short protein forms G186D, G181D.
Identifiers: ClinVar variation 2951912 (VCV002951912.4), dbSNP rs2133102152, ClinGen allele CA379964673.